The following is an entry in ClinVar:

NM_006939.4(SOS2):c.1950G>T (p.Glu650Asp)

Gene: SOS2 (SOS Ras/Rho guanine nucleotide exchange factor 2; minus strand). Cytogenetic location: 14q21.3.
Variant type: single nucleotide variant.
Coding change: c.1950G>T on transcript NM_006939.4 (MANE Select); coding-DNA position 1950, G replaced by T.
Protein change: p.Glu650Asp; replaces glutamic acid 650 with aspartic acid.
Molecular consequence: missense variant.
Genome position (GRCh38, 1-based): chr14:50,157,106, C>A on the plus strand (G>T on the coding strand, the complement: SOS2 is on the minus strand). VCF-style: chr14-50157106-C-A. GRCh37 (hg19) VCF-style: chr14-50623824-C-A.
Other names: c.1851G>T, p.Glu617Asp (NM_001411020.1); short protein forms E650D, E617D.
Identifiers: ClinVar variation 3959865 (VCV003959865.1).

ClinVar aggregate classification (germline): Uncertain significance (1 of 4 stars; one submission).

Conditions:
Cardiovascular phenotype. Identifiers: MedGen CN230736.

Submission:

Ambry Genetics
Classification: Uncertain significance for Cardiovascular phenotype. Last evaluated: 2025-04-20. Review status: criteria provided, single submitter. Criteria: Ambry Variant Classification Scheme 2023. Collection method: clinical testing. Allele origin: germline.
Comment: The p.E650D variant (also known as c.1950G>T), located in coding exon 12 of the SOS2 gene, results from a G to T substitution at nucleotide position 1950. The glutamic acid at codon 650 is replaced by aspartic acid, an amino acid with highly similar properties. This amino acid position is conserved. In addition, this alteration is predicted to be tolerated by in silico analysis. Based on the available evidence, the clinical significance of this variant remains unclear.